The following is an entry in ClinVar:

ClinVar aggregate classification (germline): Uncertain significance (1 of 4 stars; one submission).

Conditions:
Encephalopathy, acute, infection-induced (herpes-specific), susceptibility to, 6. Also called: Herpes simplex encephalitis, susceptibility to, 4. Identifiers: Orphanet 1930, MedGen C3553869, MONDO:0013921, OMIM 614850.

Allele frequency attached by ClinVar (database versions not stated): gnomAD exomes below 0.00001.

Submission:

Labcorp Genetics (formerly Invitae), Labcorp
Classification: Uncertain significance for Encephalopathy, acute, infection-induced (herpes-specific), susceptibility to, 6. Last evaluated: 2025-10-02. Review status: criteria provided, single submitter. Criteria: Invitae Variant Classification Sherloc (09022015). Collection method: clinical testing. Allele origin: germline.
Comment: This sequence change replaces valine, which is neutral and non-polar, with methionine, which is neutral and non-polar, at codon 421 of the TICAM1 protein (p.Val421Met). This variant is present in population databases (no rsID available, gnomAD 0.003%). This variant has not been reported in the literature in individuals affected with TICAM1-related conditions. ClinVar contains an entry for this variant (Variation ID: 1438694). An algorithm developed to predict the effect of missense changes on protein structure and function (PolyPhen-2) suggests that this variant is likely to be disruptive. In summary, the available evidence is currently insufficient to determine the role of this variant in disease. Therefore, it has been classified as a Variant of Uncertain Significance.

NM_182919.4(TICAM1):c.1261G>A (p.Val421Met)

Gene: TICAM1 (TIR domain containing adaptor molecule 1; minus strand). Cytogenetic location: 19p13.3.
Variant type: single nucleotide variant.
Coding change: c.1261G>A on transcript NM_182919.4 (MANE Select); coding-DNA position 1261, G replaced by A.
Protein change: p.Val421Met; replaces valine 421 with methionine.
Molecular consequence: missense variant.
Genome position (GRCh38, 1-based): chr19:4,817,117, C>T on the plus strand (G>A on the coding strand, the complement: TICAM1 is on the minus strand). VCF-style: chr19-4817117-C-T. GRCh37 (hg19) VCF-style: chr19-4817129-C-T.
Other names: c.1219G>A, p.Val407Met (NM_001385678.1); c.1126G>A, p.Val376Met (NM_001385679.1); c.619G>A, p.Val207Met (NM_001385680.1); short protein forms V421M, V207M, V376M, V407M.
Identifiers: ClinVar variation 1438694 (VCV001438694.6), dbSNP rs1294358833, ClinGen allele CA403490375.
Genomic context (GRCh38, chr19:4,817,117, plus strand): 5'-AGCTCAGCTCCCCGCGCCCCGGCACCTGGAAATCCTCGCAGAAGGTGGCCCCGTCGGGCA[C>T]GCCAAGGGCCTCCAGCTTCTCCCGAACCCGCAGGGCGATGTGTTCGTCTGCCCTGGCGTG-3'
Protein context (NP_891549.1, residues 411-431): RVREKLEALG[Val421Met]PDGATFCEDF